The following is an entry in ClinVar:

ClinVar aggregate classification (germline): Likely benign. Review status: criteria provided, multiple submitters, no conflicts (2 of 4 stars). 6 submissions from 6 submitters: Likely benign (6). Last evaluated 2026-06-08.

Conditions:
Dilated cardiomyopathy 1G (CMD1G). Identifiers: Orphanet 154, MedGen C1858763, MONDO:0011400, OMIM 604145.
Autosomal recessive limb-girdle muscular dystrophy type 2J (LGMDR10). Also called: Limb-girdle muscular dystrophy, type 2J; MUSCULAR DYSTROPHY, LIMB-GIRDLE, AUTOSOMAL RECESSIVE 10. Identifiers: Orphanet 140922, MedGen C1837342, MONDO:0012127, OMIM 608807.
Cardiovascular phenotype. Identifiers: MedGen CN230736.
TTN-related disorder. Also called: TTN-related condition; TTN-related disease; TTN-related disorders.

Allele frequency attached by ClinVar (database versions not stated): TOPMed 0.00001; ExAC 0.00002; gnomAD exomes 0.00002.
gnomAD v4.1: 25 of 1,613,442 alleles (0.0015%); highest among the groups gnomAD compares: Non-Finnish European, 0.0018%; no homozygotes.

Submissions (6):

PreventionGenetics, part of Exact Sciences
Classification: Likely benign for TTN-related condition. Last evaluated: 2026-06-08. Review status: criteria provided, single submitter. Criteria: ACMG Guidelines, 2015. Collection method: clinical testing. Allele origin: germline.
Comment: This variant is classified as likely benign based on ACMG/AMP sequence variant interpretation guidelines (Richards et al. 2015 PMID: 25741868, with internal and published modifications).

Labcorp Genetics (formerly Invitae), Labcorp
Classification: Likely benign for Dilated cardiomyopathy 1G; Autosomal recessive limb-girdle muscular dystrophy type 2J. Last evaluated: 2025-05-29. Review status: criteria provided, single submitter. Criteria: Invitae Variant Classification Sherloc (09022015). Collection method: clinical testing. Allele origin: germline.

Blueprint Genetics
Classification: Likely benign. Last evaluated: 2024-09-21. Review status: criteria provided, single submitter. Criteria: ACMG Guidelines, 2015. Collection method: clinical testing. Allele origin: germline.

Ambry Genetics
Classification: Likely benign for Cardiovascular phenotype. Last evaluated: 2022-07-11. Review status: criteria provided, single submitter. Criteria: Ambry Variant Classification Scheme 2023. Collection method: clinical testing. Allele origin: germline.

GeneDx
Classification: Likely benign. Last evaluated: 2018-04-20. Review status: criteria provided, single submitter. Criteria: GeneDx Variant Classification Process June 2021. Collection method: clinical testing. Allele origin: germline. Affected: yes.

Laboratory for Molecular Medicine, Mass General Brigham Personalized Medicine
Classification: Likely benign. Last evaluated: 2014-07-30. Review status: criteria provided, single submitter. Criteria: LMM Criteria. Collection method: clinical testing. Allele origin: germline. Observed: 1 variant allele.
Comment: Thr23365Thr in exon 275 of TTN: This variant is not expected to have clinical si gnificance because it does not alter an amino acid residue and is not located wi thin the splice consensus sequence.

NM_001267550.2(TTN):c.77799A>T (p.Thr25933=)

Genes: TTN (titin; minus strand), TTN-AS1 (TTN antisense RNA 1; plus strand). Cytogenetic location: 2q31.2.
Variant type: single nucleotide variant.
Coding change: c.77799A>T on transcript NM_001267550.2 (MANE Select); coding-DNA position 77799, A replaced by T.
Protein change: p.Thr25933=; no amino-acid change (threonine 25933 retained).
Molecular consequence: synonymous variant.
Genome position (GRCh38, 1-based): chr2:178,568,333, T>A on the plus strand (A>T on the coding strand, the complement: TTN is on the minus strand). VCF-style: chr2-178568333-T-A. GRCh37 (hg19) VCF-style: chr2-179433060-T-A.
Other names: c.72876A>T, p.Thr24292= (NM_001256850.1); c.70095A>T, p.Thr23365= (NM_133378.4); c.50604A>T, p.Thr16868= (NM_003319.4); c.50979A>T, p.Thr16993= (NM_133432.3); c.51180A>T, p.Thr17060= (NM_133437.4).
Identifiers: ClinVar variation 179904 (VCV000179904.20), dbSNP rs727505210, ClinGen allele CA185393.